The following is an entry in ClinVar:

NM_001276270.2(MBD4):c.1493A>C (p.Lys498Thr)

Gene: MBD4 (methyl-CpG binding domain 4, DNA glycosylase; minus strand). Cytogenetic location: 3q21.3.
Variant type: single nucleotide variant.
Coding change: c.1493A>C on transcript NM_001276270.2 (MANE Select); coding-DNA position 1493, A replaced by C.
Protein change: p.Lys498Thr; replaces lysine 498 with threonine.
Molecular consequence: missense variant.
Genome position (GRCh38, 1-based): chr3:129,433,148, T>G on the plus strand (A>C on the coding strand, the complement: MBD4 is on the minus strand). VCF-style: chr3-129433148-T-G. GRCh37 (hg19) VCF-style: chr3-129151991-T-G.
Other names: c.1511A>C, p.Lys504Thr (NM_001276271.2, NM_001276272.2, NM_003925.3); c.557A>C, p.Lys186Thr (NM_001276273.2); short protein forms K186T, K504T, K498T.
Identifiers: ClinVar variation 4712887 (VCV004712887.1).

ClinVar aggregate classification (germline): Uncertain significance (1 of 4 stars; one submission).

Submission:

Labcorp Genetics (formerly Invitae), Labcorp
Classification: Uncertain significance. Last evaluated: 2025-02-12. Review status: criteria provided, single submitter. Criteria: Invitae Variant Classification Sherloc (09022015). Collection method: clinical testing. Allele origin: germline.
Comment: This sequence change replaces lysine, which is basic and polar, with threonine, which is neutral and polar, at codon 504 of the MBD4 protein (p.Lys504Thr). This variant is not present in population databases (gnomAD no frequency). This variant has not been reported in the literature in individuals affected with MBD4-related conditions. An algorithm developed to predict the effect of missense changes on protein structure and function (PolyPhen-2) suggests that this variant is likely to be disruptive. In summary, the available evidence is currently insufficient to determine the role of this variant in disease. Therefore, it has been classified as a Variant of Uncertain Significance.